The following is an entry in ClinVar:

ClinVar aggregate classification (germline): Conflicting classifications of pathogenicity. Review status: criteria provided, conflicting classifications (1 of 4 stars). 6 submissions from 6 submitters: Uncertain significance (4); Likely benign (1). 1 of the submissions does not count toward it. Last evaluated 2025-01-19.

Conditions:
Cardiovascular phenotype. Identifiers: MedGen CN230736.
Walker-Warburg congenital muscular dystrophy. Also called: Muscular dystrophy-dystroglycanopathy, type A; Walker-Warburg syndrome. Identifiers: Orphanet 899, MedGen C0265221, MONDO:0000171.

Allele frequency attached by ClinVar (database versions not stated): gnomAD exomes below 0.00001 and 0.00002; gnomAD 0.00001; TOPMed 0.00002.
gnomAD v4.1: 37 of 1,611,570 alleles (0.0023%); highest among the groups gnomAD compares: Non-Finnish European, 0.0027%; no homozygotes.

Submissions (6):

Ambry Genetics
Classification: Likely benign for Cardiovascular phenotype. Last evaluated: 2025-01-19. Review status: criteria provided, single submitter. Criteria: Ambry Variant Classification Scheme 2023. Collection method: clinical testing. Allele origin: germline.

Revvity Omics, Revvity
Classification: Uncertain significance. Last evaluated: 2022-08-30. Review status: criteria provided, single submitter. Criteria: ACMG Guidelines, 2015. Collection method: clinical testing. Allele origin: germline.

Labcorp Genetics (formerly Invitae), Labcorp
Classification: Uncertain significance for Walker-Warburg congenital muscular dystrophy. Last evaluated: 2022-08-11. Review status: criteria provided, single submitter. Criteria: Invitae Variant Classification Sherloc (09022015). Collection method: clinical testing. Allele origin: germline.
Comment: This sequence change replaces methionine, which is neutral and non-polar, with valine, which is neutral and non-polar, at codon 236 of the FKTN protein (p.Met236Val). This variant is present in population databases (no rsID available, gnomAD 0.0009%). This variant has not been reported in the literature in individuals affected with FKTN-related conditions. ClinVar contains an entry for this variant (Variation ID: 281831). Algorithms developed to predict the effect of missense changes on protein structure and function output the following: SIFT: "Tolerated"; PolyPhen-2: "Benign"; Align-GVGD: "Class C0". The valine amino acid residue is found in multiple mammalian species, which suggests that this missense change does not adversely affect protein function. In summary, the available evidence is currently insufficient to determine the role of this variant in disease. Therefore, it has been classified as a Variant of Uncertain Significance.

GeneDx
Classification: Uncertain significance. Last evaluated: 2018-09-21. Review status: criteria provided, single submitter. Criteria: GeneDx Variant Classification (06012015). Collection method: clinical testing. Allele origin: germline. Affected: yes.
Comment: A variant of uncertain significance has been identified in the FKTN gene. The M236V variant has not been published as pathogenic or been reported as benign to our knowledge. The M236V variant is not observed at a significant frequency in large population cohorts (Lek et al., 2016). However, the M236V variant is a conservative amino acid substitution, which is not likely to impact secondary protein structure as these residues share similar properties. In-silico analyses, including protein predictors and evolutionary conservation, support that this variant does not alter protein structure/function. Therefore, based on the currently available information, it is unclear whether this variant is pathogenic or rare benign.

Eurofins Ntd Llc (ga)
Classification: Uncertain significance. Last evaluated: 2015-07-20. Review status: criteria provided, single submitter. Criteria: EGL Classification Definitions 2015. Collection method: clinical testing. Allele origin: germline. Observed: 1 variant allele, 1 heterozygote.

Natera, Inc.
Classification: Uncertain significance for Walker-Warburg congenital muscular dystrophy. Last evaluated: 2020-06-01. Review status: no assertion criteria provided. Collection method: clinical testing. Allele origin: germline. Not counted in ClinVar's aggregate classification.

NM_001079802.2(FKTN):c.706A>G (p.Met236Val)

Gene: FKTN (fukutin; plus strand). Cytogenetic location: 9q31.2.
Variant type: single nucleotide variant.
Coding change: c.706A>G on transcript NM_001079802.2 (MANE Select); coding-DNA position 706, A replaced by G.
Protein change: p.Met236Val; replaces methionine 236 with valine.
Molecular consequence: missense variant. On other transcripts: non-coding transcript variant (2).
Genome position (GRCh38, 1-based): chr9:105,607,877, A>G. VCF-style: chr9-105607877-A-G. GRCh37 (hg19) VCF-style: chr9-108370158-A-G.
Other names: c.706A>G, p.Met236Val (NM_001198963.2, NM_001351496.2, NM_001351498.2 and 1 more transcripts); c.637A>G, p.Met213Val (NM_001351497.2); c.310A>G, p.Met104Val (NM_001351499.2, NM_001351500.2, NM_001351501.2 and 1 more transcripts); short protein forms M236V, M104V, M213V.
Identifiers: ClinVar variation 281831 (VCV000281831.18), dbSNP rs886042241, ClinGen allele CA10603977.